The following is an entry in ClinVar:

NM_006996.3(SLC19A2):c.979C>T (p.Arg327Cys)

Gene: SLC19A2 (solute carrier family 19 member 2; minus strand). Cytogenetic location: 1q24.2.
Variant type: single nucleotide variant.
Coding change: c.979C>T on transcript NM_006996.3 (MANE Select); coding-DNA position 979, C replaced by T.
Protein change: p.Arg327Cys; replaces arginine 327 with cysteine.
Molecular consequence: missense variant.
Genome position (GRCh38, 1-based): chr1:169,470,015, G>A on the plus strand (C>T on the coding strand, the complement: SLC19A2 is on the minus strand). VCF-style: chr1-169470015-G-A. GRCh37 (hg19) VCF-style: chr1-169439253-G-A.
Other names: c.376C>T, p.Arg126Cys (NM_001319667.1); short protein forms R126C, R327C.
Identifiers: ClinVar variation 2419419 (VCV002419419.4), dbSNP rs151131241, ClinGen allele CA1232969.

ClinVar aggregate classification (germline): Uncertain significance. Review status: criteria provided, multiple submitters, no conflicts (2 of 4 stars). 3 submissions from 3 submitters: Uncertain significance (3). Last evaluated 2024-06-17.

Conditions:
Megaloblastic anemia, thiamine-responsive, with diabetes mellitus and sensorineural deafness (TRMA). Also called: THIAMINE METABOLISM DYSFUNCTION SYNDROME 1 (MEGALOBLASTIC ANEMIA, DIABETES MELLITUS, AND DEAFNESS TYPE); Thiamine-Responsive Megaloblastic Anemia Syndrome; ROGERS SYNDROME; THIAMINE-RESPONSIVE ANEMIA SYNDROME; THIAMINE-RESPONSIVE MYELODYSPLASIA. Identifiers: Orphanet 49827, MedGen C0342287, MONDO:0009575, OMIM 249270.

Allele frequency attached by ClinVar (database versions not stated): gnomAD 0.00004; TOPMed 0.00006; ExAC 0.00007; ESP Exome Variant Server 0.00008.
gnomAD v4.1: 39 of 1,613,870 alleles (0.0024%); highest among the groups gnomAD compares: Admixed American, 0.017%; no homozygotes.

Submissions (3):

Fulgent Genetics
Classification: Uncertain significance for Megaloblastic anemia, thiamine-responsive, with diabetes mellitus and sensorineural deafness. Last evaluated: 2024-06-17. Review status: criteria provided, single submitter. Criteria: ACMG Guidelines, 2015. Collection method: clinical testing. Allele origin: germline.

Labcorp Genetics (formerly Invitae), Labcorp
Classification: Uncertain significance. Last evaluated: 2024-05-06. Review status: criteria provided, single submitter. Criteria: Invitae Variant Classification Sherloc (09022015). Collection method: clinical testing. Allele origin: germline.
Comment: This sequence change replaces arginine, which is basic and polar, with cysteine, which is neutral and slightly polar, at codon 327 of the SLC19A2 protein (p.Arg327Cys). This variant is present in population databases (rs151131241, gnomAD 0.02%). This variant has not been reported in the literature in individuals affected with SLC19A2-related conditions. ClinVar contains an entry for this variant (Variation ID: 2419419). Advanced modeling of protein sequence and biophysical properties (such as structural, functional, and spatial information, amino acid conservation, physicochemical variation, residue mobility, and thermodynamic stability) performed at Invitae indicates that this missense variant is not expected to disrupt SLC19A2 protein function with a negative predictive value of 80%. In summary, the available evidence is currently insufficient to determine the role of this variant in disease. Therefore, it has been classified as a Variant of Uncertain Significance.

Blueprint Genetics
Classification: Uncertain significance. Last evaluated: 2023-11-17. Review status: criteria provided, single submitter. Criteria: ACMG Guidelines, 2015. Collection method: clinical testing. Allele origin: germline.